The following is an entry in ClinVar:

ClinVar aggregate classification (germline): Uncertain significance (1 of 4 stars; one submission).

Submission:

Labcorp Genetics (formerly Invitae), Labcorp
Classification: Uncertain significance. Last evaluated: 2024-07-02. Review status: criteria provided, single submitter. Criteria: Invitae Variant Classification Sherloc (09022015). Collection method: clinical testing. Allele origin: germline.
Comment: This sequence change replaces glycine, which is neutral and non-polar, with arginine, which is basic and polar, at codon 544 of the TNNI3K protein (p.Gly544Arg). This variant is not present in population databases (gnomAD no frequency). This variant has not been reported in the literature in individuals affected with TNNI3K-related conditions. Advanced modeling of protein sequence and biophysical properties (such as structural, functional, and spatial information, amino acid conservation, physicochemical variation, residue mobility, and thermodynamic stability) performed at Invitae indicates that this missense variant is not expected to disrupt TNNI3K protein function with a negative predictive value of 80%. In summary, the available evidence is currently insufficient to determine the role of this variant in disease. Therefore, it has been classified as a Variant of Uncertain Significance.

NM_015978.3(TNNI3K):c.1630G>A (p.Gly544Arg)

Genes: FPGT-TNNI3K (FPGT-TNNI3K readthrough; plus strand), TNNI3K (TNNI3 interacting kinase; plus strand). Cytogenetic location: 1p31.1.
Variant type: single nucleotide variant.
Coding change: c.1630G>A on transcript NM_015978.3 (MANE Select); coding-DNA position 1630, G replaced by A.
Protein change: p.Gly544Arg; replaces glycine 544 with arginine.
Molecular consequence: missense variant.
Genome position (GRCh38, 1-based): chr1:74,369,548, G>A. VCF-style: chr1-74369548-G-A. GRCh37 (hg19) VCF-style: chr1-74835232-G-A.
Other names: c.1933G>A, p.Gly645Arg (NM_001112808.3, NM_001199327.2); short protein forms G645R, G544R.
Identifiers: ClinVar variation 3695331 (VCV003695331.2).